The following is an entry in ClinVar:

ClinVar aggregate classification (germline): Pathogenic. Review status: criteria provided, single submitter (1 of 4 stars). 2 submissions from 2 submitters: Pathogenic (1). 1 of the submissions does not count toward it. Last evaluated 2025-01-11.

Conditions:
Early-infantile DEE. Also called: Early infantile epileptic encephalopathy; Early infantile epileptic encephalopathy with suppression bursts; Ohtahara syndrome. Identifiers: Orphanet 1934, MedGen C0393706, MONDO:0800491.
Developmental and epileptic encephalopathy, 17 (DEE17). Also called: Early infantile epileptic encephalopathy 17. Identifiers: Orphanet 1934, MedGen C3809606, MONDO:0014199, OMIM 615473.

Submissions (2):

Labcorp Genetics (formerly Invitae), Labcorp
Classification: Pathogenic for Early-infantile DEE. Last evaluated: 2025-01-11. Review status: criteria provided, single submitter. Criteria: Invitae Variant Classification Sherloc (09022015). Collection method: clinical testing. Allele origin: germline.
Comment: This sequence change replaces lysine, which is basic and polar, with glutamic acid, which is acidic and polar, at codon 46 of the GNAO1 protein (p.Lys46Glu). This variant is not present in population databases (gnomAD no frequency). This missense change has been observed in individual(s) with West syndrome (PMID: 34122306). In at least one individual the variant was observed to be de novo. ClinVar contains an entry for this variant (Variation ID: 1012170). Invitae Evidence Modeling of protein sequence and biophysical properties (such as structural, functional, and spatial information, amino acid conservation, physicochemical variation, residue mobility, and thermodynamic stability) indicates that this missense variant is expected to disrupt GNAO1 protein function with a positive predictive value of 95%. For these reasons, this variant has been classified as Pathogenic.

Pediatric Department, Peking University First Hospital
Classification: Likely pathogenic for Developmental and epileptic encephalopathy, 17. Last evaluated: 2021-02-03. Review status: no assertion criteria provided. Collection method: clinical testing. Allele origin: de novo. Affected: yes. Not counted in ClinVar's aggregate classification.

Literature cited by the submitters: PubMed 34122306 (cited by Labcorp Genetics (formerly Invitae), Labcorp).

NM_020988.3(GNAO1):c.136A>G (p.Lys46Glu)

Gene: GNAO1 (G protein subunit alpha o1; plus strand). Cytogenetic location: 16q13.
Variant type: single nucleotide variant.
Coding change: c.136A>G on transcript NM_020988.3 (MANE Select); coding-DNA position 136, A replaced by G.
Protein change: p.Lys46Glu; replaces lysine 46 with glutamic acid.
Molecular consequence: missense variant.
Genome position (GRCh38, 1-based): chr16:56,192,591, A>G. VCF-style: chr16-56192591-A-G. GRCh37 (hg19) VCF-style: chr16-56226503-A-G.
Other names: c.136A>G, p.Lys46Glu (NM_138736.3); short protein forms K46E.
Identifiers: ClinVar variation 1012170 (VCV001012170.4), dbSNP rs2143272162, ClinGen allele CA396128601.